The following is an entry in ClinVar:

NM_000094.4(COL7A1):c.6044G>A (p.Gly2015Glu)

Gene: COL7A1 (collagen type VII alpha 1 chain; minus strand). Cytogenetic location: 3p21.31.
Variant type: single nucleotide variant.
Coding change: c.6044G>A on transcript NM_000094.4 (MANE Select); coding-DNA position 6044, G replaced by A.
Protein change: p.Gly2015Glu; replaces glycine 2015 with glutamic acid.
Molecular consequence: missense variant.
Genome position (GRCh38, 1-based): chr3:48,575,475, C>T on the plus strand (G>A on the coding strand, the complement: COL7A1 is on the minus strand). VCF-style: chr3-48575475-C-T. GRCh37 (hg19) VCF-style: chr3-48612908-C-T.
Other names: short protein forms G2015E.
Identifiers: ClinVar variation 17449 (VCV000017449.3), dbSNP rs121912843, ClinGen allele CA257950.
Genomic context (GRCh38, chr3:48,575,475, plus strand): 5'-TCCCCGGCAAGGCCGGAAGGCCCGGGGGGGCCCCTCTCCCCAAGGGCCAGACCAGGTGGC[C>T]CCTGAGGGCCAGGGTCTCCACGGTCGCCCTTCAGCCCGCGTTCTCCAGGAAAGCCGATGG-3'
Protein context (NP_000085.1, residues 2005-2025): KGDRGDPGPQ[Gly2015Glu]PPGLALGERG

ClinVar aggregate classification (germline): Pathogenic. Review status: criteria provided, multiple submitters, no conflicts (2 of 4 stars). 4 submissions from 4 submitters: Pathogenic (3). 1 of the submissions does not count toward it. Last evaluated 2025-07-18.

Conditions:
COL7A1-related disorder. Also called: COL7A1- related disorders; COL7A1-related condition.
Epidermolysis bullosa dystrophica. Also called: Dystrophic epidermolysis bullosa; Dystrophic epidermolysis bullosa, Hallopeau-Siemens type (formerly). Identifiers: Orphanet 303, MedGen C0079294, MONDO:0006543.
Recessive dystrophic epidermolysis bullosa (RDEB). Also called: DYSTROPHIC EPIDERMOLYSIS BULLOSA, AUTOSOMAL RECESSIVE; EPIDERMOLYSIS BULLOSA DYSTROPHICA, HALLOPEAU-SIEMENS TYPE; epidermolysis bullosa dystrophica, autosomal recessive; Hallopeau-Siemens Disease; severe generalized recessive dystrophic epidermolysis bullosa; EPIDERMOLYSIS BULLOSA DYSTROPHICA, GENERALIZED SEVERE, AUTOSOMAL RECESSIVE. Identifiers: Orphanet 79408, Orphanet 79409, MedGen C0079474, MONDO:0009179, OMIM 226600.
Generalized dominant dystrophic epidermolysis bullosa (DDEB). Also called: DDEB-gen; DYSTROPHIC EPIDERMOLYSIS BULLOSA, AUTOSOMAL DOMINANT; Epidermolysis bullosa dystrophica, autosomal dominant; Dominant DEB (DDEB); DDEB, generalized. Identifiers: Orphanet 231568, MedGen C0432322, MONDO:0007549, OMIM 131750.

Allele frequency attached by ClinVar (database versions not stated): gnomAD exomes below 0.00001; ExAC 0.00001.
gnomAD v4.1: 1 of 1,611,858 alleles (0.000062%); no homozygotes.

Submissions (4):

Natera, Inc.
Classification: Pathogenic for Dystrophic epidermolysis bullosa. Last evaluated: 2025-07-18. Review status: criteria provided, single submitter. Criteria: Natera Variant Classification Schema (03/2026). Collection method: clinical testing. Allele origin: germline.
Comment: The c.6044G>A variant in COL7A1 is a missense variant predicted to cause substitution of glycine to glutamic acid at amino acid 2015. This variant is rare in the general population with a frequency below the threshold expected for the associated phenotype(s). This variant has been observed in affected individual(s) with monoallelic occurrence (heterozygous/hemizygous) (PMID: 9668111, 36287101, 31130284). Additionally, this variant has been observed to segregate in affected family members (PMID: 9668111). This variant has been confirmed as or assumed to be a de novo occurrence in one or more affected individuals (PMID: 36287101). Computational prediction algorithms indicate this variant is likely to affect gene or protein function. Given the available evidence, this variant is classified as Pathogenic.

Blueprint Genetics
Classification: Pathogenic for COL7A1-related disorders. Last evaluated: 2023-03-06. Review status: criteria provided, single submitter. Criteria: ACMG Guidelines, 2015. Collection method: clinical testing. Allele origin: germline. Affected: yes. Observed: 2 variant alleles.

Molecular Diagnostics Laboratory, M Health Fairview: University of Minnesota
Classification: Pathogenic for Recessive dystrophic epidermolysis bullosa. Last evaluated: 2016-12-01. Review status: criteria provided, single submitter. Criteria: ACMG Guidelines, 2015. Collection method: clinical testing. Allele origin: germline. Affected: yes. Observed: 1 variant allele.

OMIM
Classification: Pathogenic for EPIDERMOLYSIS BULLOSA DYSTROPHICA, AUTOSOMAL DOMINANT. Last evaluated: 1998-07-24. Review status: no assertion criteria provided. Collection method: literature only. Allele origin: germline. Not counted in ClinVar's aggregate classification.

Literature cited by the submitters: PubMed 9668111 (cited by 3 submitters); PubMed 36287101 (cited by Natera, Inc.); PubMed 31130284 (cited by Natera, Inc.).